The following is an entry in ClinVar:

ClinVar aggregate classification (germline): Uncertain significance. Review status: criteria provided, multiple submitters, no conflicts (2 of 4 stars). 2 submissions from 2 submitters: Uncertain significance (2). Last evaluated 2023-05-01.

Conditions:
Tumor predisposition syndrome 3 (TPDS3). Also called: Melanoma, cutaneous malignant, susceptibility to, 10; Glioma susceptibility 9; LONG TELOMERE SYNDROME, POT1-RELATED; POT1 Tumor Predisposition. Identifiers: Orphanet 618, MedGen C4014476, MONDO:0014368, OMIM 615848.

Allele frequency attached by ClinVar (database versions not stated): gnomAD exomes below 0.00001.
gnomAD v4.1: 1 of 1,600,036 alleles (0.000062%); highest among the groups gnomAD compares: Non-Finnish European, 0.000085%; no homozygotes.

Submissions (2):

CeGaT Center for Human Genetics Tuebingen
Classification: Uncertain significance. Last evaluated: 2023-05-01. Review status: criteria provided, single submitter. Criteria: CeGaT Center For Human Genetics Tuebingen Variant Classification Criteria Version 2. Collection method: clinical testing. Allele origin: germline. Affected: yes. Observed: 1 variant allele.
Comment: POT1: PM2

Labcorp Genetics (formerly Invitae), Labcorp
Classification: Uncertain significance for Tumor predisposition syndrome 3. Last evaluated: 2022-11-14. Review status: criteria provided, single submitter. Criteria: Invitae Variant Classification Sherloc (09022015). Collection method: clinical testing. Allele origin: germline.
Comment: This sequence change replaces leucine, which is neutral and non-polar, with phenylalanine, which is neutral and non-polar, at codon 380 of the POT1 protein (p.Leu380Phe). This variant is not present in population databases (gnomAD no frequency). This variant has not been reported in the literature in individuals affected with POT1-related conditions. Advanced modeling of protein sequence and biophysical properties (such as structural, functional, and spatial information, amino acid conservation, physicochemical variation, residue mobility, and thermodynamic stability) performed at Invitae indicates that this missense variant is not expected to disrupt POT1 protein function. In summary, the available evidence is currently insufficient to determine the role of this variant in disease. Therefore, it has been classified as a Variant of Uncertain Significance.

NM_015450.3(POT1):c.1138C>T (p.Leu380Phe)

Gene: POT1 (protection of telomeres 1; minus strand). Cytogenetic location: 7q31.33.
Variant type: single nucleotide variant.
Coding change: c.1138C>T on transcript NM_015450.3 (MANE Select); coding-DNA position 1138, C replaced by T.
Protein change: p.Leu380Phe; replaces leucine 380 with phenylalanine.
Molecular consequence: missense variant. On other transcripts: non-coding transcript variant (3).
Genome position (GRCh38, 1-based): chr7:124,842,832, G>A on the plus strand (C>T on the coding strand, the complement: POT1 is on the minus strand). VCF-style: chr7-124842832-G-A. GRCh37 (hg19) VCF-style: chr7-124482886-G-A.
Other names: c.745C>T, p.Leu249Phe (NM_001042594.2); short protein forms L249F, L380F.
Identifiers: ClinVar variation 2571296 (VCV002571296.30), dbSNP rs1795060845, ClinGen allele CA369068174.